The following is an entry in ClinVar:

ClinVar aggregate classification (germline): Uncertain significance (1 of 4 stars; one submission).

Allele frequency attached by ClinVar (database versions not stated): TOPMed 0.00001.
gnomAD v4.1: 2 of 1,612,874 alleles (0.00012%); highest among the groups gnomAD compares: African/African-American, 0.0027%; no homozygotes.

Submission:

Labcorp Genetics (formerly Invitae), Labcorp
Classification: Uncertain significance. Last evaluated: 2022-04-15. Review status: criteria provided, single submitter. Criteria: Invitae Variant Classification Sherloc (09022015). Collection method: clinical testing. Allele origin: germline.
Comment: In summary, the available evidence is currently insufficient to determine the role of this variant in disease. Therefore, it has been classified as a Variant of Uncertain Significance. Experimental studies and prediction algorithms are not available or were not evaluated, and the functional significance of this variant is currently unknown. This variant has not been reported in the literature in individuals affected with KIZ-related conditions. This variant is not present in population databases (gnomAD no frequency). This sequence change replaces histidine, which is basic and polar, with arginine, which is basic and polar, at codon 340 of the KIZ protein (p.His340Arg).

NM_018474.6(KIZ):c.1019A>G (p.His340Arg)

Gene: KIZ (kizuna centrosomal protein; plus strand). Cytogenetic location: 20p11.23.
Variant type: single nucleotide variant.
Coding change: c.1019A>G on transcript NM_018474.6 (MANE Select); coding-DNA position 1019, A replaced by G.
Protein change: p.His340Arg; replaces histidine 340 with arginine.
Molecular consequence: missense variant.
Genome position (GRCh38, 1-based): chr20:21,162,484, A>G. VCF-style: chr20-21162484-A-G. GRCh37 (hg19) VCF-style: chr20-21143125-A-G.
Other names: c.710A>G, p.His237Arg (NM_001163022.3, NM_001352435.2); c.620A>G, p.His207Arg (NM_001163023.3); c.872A>G, p.His291Arg (NM_001276389.2); c.1019A>G, p.His340Arg (NM_001352434.2); c.677A>G, p.His226Arg (NM_001352436.2); short protein forms H207R, H226R, H291R, H340R, H237R.
Identifiers: ClinVar variation 1940019 (VCV001940019.5), dbSNP rs946402207, ClinGen allele CA312979726.